The following is an entry in ClinVar:

NM_058216.3(RAD51C):c.1031_1032del (p.Gln344fs)

Gene: RAD51C (RAD51 paralog C; plus strand). Cytogenetic location: 17q22.
Variant type: Deletion.
Coding change: c.1031_1032del on transcript NM_058216.3 (MANE Select); coding-DNA positions 1031 to 1032, 2 bases deleted (AG; older notation c.1031_1032delAG).
Protein change: p.Gln344fs; shifts the reading frame from glutamine 344.
Molecular consequence: frameshift variant. On other transcripts: non-coding transcript variant (1).
Genome position (GRCh38, 1-based): chr17:58,734,122-58,734,123, AG deleted. VCF-style (leftmost placement, unchanged base first): chr17-58734121-CAG-C. GRCh37 (hg19) VCF-style: chr17-56811482-CAG-C.
Other names: c.*459_*460delAG (NM_058217.1); short protein forms Q344fs.
Identifiers: ClinVar variation 1771141 (VCV001771141.2), dbSNP rs2509369241, ClinGen allele CA2580094409.
Genomic context (GRCh38, chr17:58,734,121, plus strand): 5'-AGATCAGTCTTCAAATGTTCTTAAAGCATATTTGTATATATATTTTTTATCTTTCAGCCT[CAG>C]GGATTTAGAGATACTGTTGTTACTTCTGCATGTTCATTGCAAACAGAAGGTTCCTTGAGC-3'

ClinVar aggregate classification (germline): Uncertain significance (1 of 4 stars; one submission).

Conditions:
Hereditary cancer-predisposing syndrome. Also called: Hereditary Cancer Syndrome; Hereditary neoplastic syndrome; Neoplastic Syndromes, Hereditary; Tumor predisposition. Identifiers: Orphanet 140162, MedGen C0027672, MeSH D009386, MONDO:0015356.

Submission:

Ambry Genetics
Classification: Uncertain significance for Hereditary cancer-predisposing syndrome. Last evaluated: 2020-07-07. Review status: criteria provided, single submitter. Criteria: Ambry Variant Classification Scheme 2023. Collection method: clinical testing. Allele origin: germline.
Comment: The c.1031_1032delAG variant, located in coding exon 9 of the RAD51C gene, results from a deletion of two nucleotides at nucleotide positions 1031 to 1032, causing a translational frameshift with a predicted alternate stop codon (p.Q344Rfs*3). Frameshifts are typically deleterious in nature; however, this frameshift occurs at the 3' terminus of RAD51C, is not expected to trigger nonsense-mediated mRNA decay, and impacts only the last 33 amino acids of the protein. The exact functional impact of these altered amino acids is unknown at this time